The following is an entry in ClinVar:

NM_005465.7(AKT3):c.820-18A>G

Gene: AKT3 (AKT serine/threonine kinase 3; minus strand). Cytogenetic location: 1q44.
Variant type: single nucleotide variant.
Coding change: c.820-18A>G on transcript NM_005465.7 (MANE Select); 18 bases into the intron before coding-DNA position 820, A replaced by G.
Molecular consequence: intron variant.
Genome position (GRCh38, 1-based): chr1:243,563,866, T>C on the plus strand (A>G on the coding strand, the complement: AKT3 is on the minus strand). VCF-style: chr1-243563866-T-C. GRCh37 (hg19) VCF-style: chr1-243727168-T-C.
Other names: c.820-18A>G (NM_181690.2, NM_001370074.1, NM_001206729.2).
Identifiers: ClinVar variation 386558 (VCV000386558.9), dbSNP rs750153115, ClinGen allele CA1484006.
Genomic context (GRCh38, chr1:243,563,866, plus strand): 5'-TAATTTTTATGTGGCCATCTTTGTCCAGCATTAGATTCTCCAACTGTGTATTAAGAAAAA[T>C]GACATAATTTGTTCTATAGTCTTCAACAACATGAAAATACCATTTTAAAAAACTACTGAA-3'

ClinVar aggregate classification (germline): Likely benign. Review status: criteria provided, multiple submitters, no conflicts (2 of 4 stars). 3 submissions from 3 submitters: Likely benign (3). Last evaluated 2025-07-22.

Conditions:
Megalencephaly-polymicrogyria-polydactyly-hydrocephalus syndrome 2 (MPPH2). Also called: MEGALENCEPHALY-POLYMICROGYRIA-POLYDACTYLY-HYDROCEPHALUS SYNDROME 2, SOMATIC. Identifiers: Orphanet 83473, MedGen C4014738, MONDO:0014407, OMIM 615937.

Allele frequency attached by ClinVar (database versions not stated): ExAC 0.00004; gnomAD 0.00004 and 0.00006; gnomAD exomes 0.00004; TOPMed 0.00004.
gnomAD v4.1: 71 of 1,598,174 alleles (0.0044%); highest among the groups gnomAD compares: Middle Eastern, 0.084%; no homozygotes.

Submissions (3):

Labcorp Genetics (formerly Invitae), Labcorp
Classification: Likely benign for Megalencephaly-polymicrogyria-polydactyly-hydrocephalus syndrome 2. Last evaluated: 2025-07-22. Review status: criteria provided, single submitter. Criteria: Invitae Variant Classification Sherloc (09022015). Collection method: clinical testing. Allele origin: germline.

Blueprint Genetics
Classification: Likely benign. Last evaluated: 2024-11-07. Review status: criteria provided, single submitter. Criteria: ACMG Guidelines, 2015. Collection method: clinical testing. Allele origin: germline.

GeneDx
Classification: Likely benign. Last evaluated: 2016-06-03. Review status: criteria provided, single submitter. Criteria: GeneDx Variant Classification (06012015). Collection method: clinical testing. Allele origin: germline. Affected: yes.
Comment: This variant is considered likely benign or benign based on one or more of the following criteria: it is a conservative change, it occurs at a poorly conserved position in the protein, it is predicted to be benign by multiple in silico algorithms, and/or has population frequency not consistent with disease.